The following is an entry in ClinVar:

NM_001364905.1(LRBA):c.1423G>A (p.Val475Ile)

Gene: LRBA (LPS responsive beige-like anchor protein; minus strand). Cytogenetic location: 4q31.3.
Variant type: single nucleotide variant.
Coding change: c.1423G>A on transcript NM_001364905.1 (MANE Select); coding-DNA position 1423, G replaced by A.
Protein change: p.Val475Ile; replaces valine 475 with isoleucine.
Molecular consequence: missense variant.
Genome position (GRCh38, 1-based): chr4:150,908,404, C>T on the plus strand (G>A on the coding strand, the complement: LRBA is on the minus strand). VCF-style: chr4-150908404-C-T. GRCh37 (hg19) VCF-style: chr4-151829556-C-T.
Other names: c.1423G>A, p.Val475Ile (NM_001199282.3, NM_001367550.1, NM_006726.5); short protein forms V475I.
Identifiers: ClinVar variation 1962057 (VCV001962057.5), dbSNP rs2546645189, ClinGen allele CA358433295.

ClinVar aggregate classification (germline): Uncertain significance (1 of 4 stars; one submission).

Conditions:
Combined immunodeficiency due to LRBA deficiency. Also called: Common variable immunodeficiency 8, with autoimmunity. Identifiers: Orphanet 445018, MedGen C3553512, MONDO:0013863, OMIM 614700.

Allele frequency attached by ClinVar (database versions not stated): gnomAD exomes below 0.00001.
gnomAD v4.1: 2 of 1,610,614 alleles (0.00012%); highest among the groups gnomAD compares: Non-Finnish European, 0.00017%; no homozygotes.

Submission:

Labcorp Genetics (formerly Invitae), Labcorp
Classification: Uncertain significance for Combined immunodeficiency due to LRBA deficiency. Last evaluated: 2022-03-24. Review status: criteria provided, single submitter. Criteria: Invitae Variant Classification Sherloc (09022015). Collection method: clinical testing. Allele origin: germline.
Comment: In summary, the available evidence is currently insufficient to determine the role of this variant in disease. Therefore, it has been classified as a Variant of Uncertain Significance. Algorithms developed to predict the effect of missense changes on protein structure and function are either unavailable or do not agree on the potential impact of this missense change (SIFT: "Tolerated"; PolyPhen-2: "Probably Damaging"; Align-GVGD: "Class C0"). This variant has not been reported in the literature in individuals affected with LRBA-related conditions. This variant is not present in population databases (gnomAD no frequency). This sequence change replaces valine, which is neutral and non-polar, with isoleucine, which is neutral and non-polar, at codon 475 of the LRBA protein (p.Val475Ile).